The following is an entry in ClinVar:

ClinVar aggregate classification (germline): Likely pathogenic. Review status: reviewed by expert panel (3 of 4 stars). 6 submissions from 6 submitters: Likely pathogenic (1). 5 of the submissions do not count toward it. Last evaluated 2022-05-22.

Conditions:
Very long chain acyl-CoA dehydrogenase deficiency (ACADVLD). Also called: Very Long-Chain Acyl-Coenzyme A Dehydrogenase Deficiency; VLCAD Deficiency. Identifiers: Orphanet 26793, MedGen C3887523, MONDO:0008723, OMIM 201475.
ACADVL-related disorder. Also called: ACADVL-related condition.

Allele frequency attached by ClinVar (database versions not stated): gnomAD exomes below 0.00001; gnomAD 0.00001; TOPMed 0.00001.

Submissions (6):

ClinGen ACADVL Variant Curation Expert Panel, ClinGen
Classification: Likely pathogenic for Very long chain acyl-CoA dehydrogenase deficiency. Last evaluated: 2022-05-22. Review status: reviewed by expert panel. Criteria: clingen acadvl acmg specifications v1. Collection method: curation. Allele origin: germline. Inheritance: Autosomal recessive inheritance.
Comment: The c.497_498del (p.Ile166SerfsTer5) variant in ACADVL is a frameshift variant predicted to cause a premature stop codon in biologically-relevant-exon 7/20 leading to nonsense mediated decay in a gene in which loss-of-function is an established disease mechanism (PVS1; PMIDs 9973285, 11590124). The highest population minor allele frequency in gnomAD v2.1.1 is 0.00001 in European (Non-Finnish) population, which is lower than the ClinGen ACADVL Variant Curation Expert Panel threshold (<0.001) for PM2_Supporting, meeting this criterion (PM2_Supporting). To our knowledge, this variant has not been reported in the literature either in a patient with VLCAD or ACADVL associated disease or in functional studies. In summary, this variant meets the criteria to be classified as likely pathogenic for autosomal recessive very long chain acyl-CoA dehydrogenase (VLCAD) deficiency based on the ACMG/AMP criteria applied, as specified by the ClinGen ACADVL Variant Curation Expert Panel: PVS1, PM2_supporting. The ACADVL Variant Curation Expert Panel VCEP classified the variant as likely pathogenic based on PVS1+PM2_supporting. VCEP specifications version 2; 10/15/21.

PreventionGenetics, part of Exact Sciences
Classification: Likely pathogenic for ACADVL-related condition. Last evaluated: 2025-10-27. Review status: criteria provided, single submitter. Criteria: ACMG Guidelines, 2015. Collection method: clinical testing. Allele origin: germline. Not counted in ClinVar's aggregate classification.
Comment: The ACADVL c.497_498delTC variant is predicted to result in a frameshift and premature protein termination (p.Ile166Serfs*5). To our knowledge, this variant has not been reported in the literature. This variant is reported in 0.00088% of alleles in individuals of European (Non-Finnish) descent in gnomAD. This variant has been classified as likely pathogenic by the ClinGen ACADVL Variant Curation Expert Panel. Frameshift variants in ACADVL are expected to be pathogenic. This variant is interpreted as likely pathogenic.

Labcorp Genetics (formerly Invitae), Labcorp
Classification: Pathogenic for Very long chain acyl-CoA dehydrogenase deficiency. Last evaluated: 2025-03-01. Review status: criteria provided, single submitter. Criteria: Invitae Variant Classification Sherloc (09022015). Collection method: clinical testing. Allele origin: germline. Not counted in ClinVar's aggregate classification.
Comment: This sequence change creates a premature translational stop signal (p.Ile166Serfs*5) in the ACADVL gene. It is expected to result in an absent or disrupted protein product. Loss-of-function variants in ACADVL are known to be pathogenic (PMID: 9973285, 11590124). This variant is present in population databases (no rsID available, gnomAD 0.0009%). This variant has not been reported in the literature in individuals affected with ACADVL-related conditions. ClinVar contains an entry for this variant (Variation ID: 370277). Algorithms developed to predict the effect of sequence changes on RNA splicing suggest that this variant may disrupt the consensus splice site. For these reasons, this variant has been classified as Pathogenic.

Baylor Genetics
Classification: Likely pathogenic for Very long chain acyl-CoA dehydrogenase deficiency. Last evaluated: 2023-08-23. Review status: criteria provided, single submitter. Criteria: ACMG Guidelines, 2015. Collection method: clinical testing. Allele origin: unknown. Not counted in ClinVar's aggregate classification.

ARUP Laboratories, Molecular Genetics and Genomics, ARUP Laboratories
Classification: Pathogenic for Very long chain acyl-CoA dehydrogenase deficiency. Last evaluated: 2021-08-24. Review status: criteria provided, single submitter. Criteria: ARUP Molecular Germline Variant Investigation Process 2021. Collection method: clinical testing. Allele origin: germline. Not counted in ClinVar's aggregate classification.
Comment: The ACADVL c.497_498delTC; p.Ile166SerfsTer5 variant (rs1057516369), to our knowledge, is not reported in the medical literature but is reported in ClinVar (Variation ID: 370277). This variant is only observed on one allele in the Genome Aggregation Database, indicating it is not a common polymorphism. This variant causes a frameshift by deleting two nucleotides, so it is predicted to result in a truncated protein or mRNA subject to nonsense-mediated decay. Additionally, several downstream truncating variants have been described in individuals with VLCAD deficiency and are considered pathogenic (Andresen 1999, Miller 2015). Based on available information, this variant is considered to be pathogenic. References: Andresen BS et al. Clear correlation of genotype with disease phenotype in very-long-chain acyl-CoA dehydrogenase deficiency. Am J Hum Genet. 1999 Feb;64(2):479-94. PMID: 9973285. Miller MJ et al. Recurrent ACADVL molecular findings in individuals with a positive newborn screen for very long chain acyl-coA dehydrogenase (VLCAD) deficiency in the United States. Mol Genet Metab. 2015 Nov;116(3):139-45. PMID: 26385305.

Counsyl
Classification: Likely pathogenic for Very long chain acyl-CoA dehydrogenase deficiency. Last evaluated: 2016-01-04. Review status: no assertion criteria provided. Collection method: clinical testing. Allele origin: unknown. Not counted in ClinVar's aggregate classification.

Literature cited by the submitters: PubMed 9973285 (cited by Labcorp Genetics (formerly Invitae), Labcorp); PubMed 11590124 (cited by Labcorp Genetics (formerly Invitae), Labcorp).

NM_000018.4(ACADVL):c.497_498del (p.Ile166fs)

Gene: ACADVL (acyl-CoA dehydrogenase very long chain; plus strand). Cytogenetic location: 17p13.1.
Variant type: Deletion.
Coding change: c.497_498del on transcript NM_000018.4 (MANE Select); coding-DNA positions 497 to 498, 2 bases deleted (TC; older notation c.497_498delTC).
Protein change: p.Ile166fs; shifts the reading frame from isoleucine 166.
Molecular consequence: frameshift variant.
Genome position (GRCh38, 1-based): chr17:7,221,557-7,221,558, TC deleted. VCF-style (leftmost placement, unchanged base first): chr17-7221556-ATC-A. GRCh37 (hg19) VCF-style: chr17-7124875-ATC-A.
Other names: NM_000018.4(ACADVL):c.497_498del; p.Ile166fs; c.431_432del, p.Ile144fs (NM_001033859.3); c.566_567del, p.Ile189fs (NM_001270447.2); c.269_270del, p.Ile90fs (NM_001270448.2); short protein forms I144fs, I166fs, I189fs, I90fs.
Identifiers: ClinVar variation 370277 (VCV000370277.20), dbSNP rs1057516369, ClinGen allele CA16041861.
Genomic context (GRCh38, chr17:7,221,556, plus strand): 5'-CCTGCAGCCAGTGACAACCCCAGATTCCTGCTTCCCCTCCAGTACGCCCGTTTGGTGGAG[ATC>A]GTGGGCATGCATGACCTTGGCGTGGGCATTACCCTGGGGGCCCATCAGAGCATCGGTTTC-3'